The following is an entry in ClinVar:

NM_015001.3(SPEN):c.10301_10302del (p.Pro3434fs)

Gene: SPEN (spen family transcriptional repressor; plus strand). Cytogenetic location: 1p36.13.
Variant type: Deletion.
Coding change: c.10301_10302del on transcript NM_015001.3 (MANE Select); coding-DNA positions 10301 to 10302, 2 bases deleted (CT; older notation c.10301_10302delCT).
Protein change: p.Pro3434fs; shifts the reading frame from proline 3434.
Molecular consequence: frameshift variant.
Genome position (GRCh38, 1-based): chr1:15,937,437-15,937,438, CT deleted. VCF-style (leftmost placement, unchanged base first): chr1-15937436-CCT-C. GRCh37 (hg19) VCF-style: chr1-16263931-CCT-C.
Other names: short protein forms P3434fs.
Identifiers: ClinVar variation 4857432 (VCV004857432.1).

ClinVar aggregate classification (germline): Pathogenic (1 of 4 stars; one submission).

Conditions:
Radio-Tartaglia syndrome. Identifiers: Orphanet 662234, MedGen C5543339, MONDO:0859143, OMIM 619312.

Submission:

Institute of Human Genetics, University of Leipzig Medical Center
Classification: Pathogenic for Radio-Tartaglia syndrome. Last evaluated: 2026-05-28. Review status: criteria provided, single submitter. Criteria: ACMG Guidelines, 2015. Collection method: clinical testing. Allele origin: maternal. Inheritance: Autosomal dominant inheritance. Affected: yes.
Comment: Criteria applied: PM2,PVS1